The following is an entry in ClinVar:

NM_020810.3(TRMT5):c.298A>G (p.Lys100Glu)

Gene: TRMT5 (tRNA methyltransferase 5; minus strand). Cytogenetic location: 14q23.1.
Variant type: single nucleotide variant.
Coding change: c.298A>G on transcript NM_020810.3 (MANE Select); coding-DNA position 298, A replaced by G.
Protein change: p.Lys100Glu; replaces lysine 100 with glutamic acid.
Molecular consequence: missense variant.
Genome position (GRCh38, 1-based): chr14:60,979,600, T>C on the plus strand (A>G on the coding strand, the complement: TRMT5 is on the minus strand). VCF-style: chr14-60979600-T-C. GRCh37 (hg19) VCF-style: chr14-61446318-T-C.
Other names: c.382A>G, p.Lys128Glu (NM_001350253.1); c.379A>G, p.Lys127Glu (NM_001350254.1); short protein forms K100E, K127E, K128E.
Identifiers: ClinVar variation 1901449 (VCV001901449.5), dbSNP rs372756594, ClinGen allele CA7213947.
Genomic context (GRCh38, chr14:60,979,600, plus strand): 5'-GCTGCAATGCTGCCCTTTTTAGGGATCGCATCAATTTACTGACTATTTCTTTCCTCACTT[T>C]AAGCACTGGAATGTTGACTGTCTTTTTAAAAGCTGTTCTATCAAGTTTTGTCATGCCTCG-3'
Protein context (NP_065861.3, residues 90-110): FKKTVNIPVL[Lys100Glu]VRKEIVSKLM

ClinVar aggregate classification (germline): Uncertain significance (1 of 4 stars; one submission).

Allele frequency attached by ClinVar (database versions not stated): gnomAD 0.00001; gnomAD exomes 0.00001; TOPMed 0.00001; ExAC 0.00002; ESP Exome Variant Server 0.00008.
gnomAD v4.1: 17 of 1,614,082 alleles (0.0011%); highest among the groups gnomAD compares: Non-Finnish European, 0.0014%; no homozygotes.

Submission:

Labcorp Genetics (formerly Invitae), Labcorp
Classification: Uncertain significance. Last evaluated: 2022-11-08. Review status: criteria provided, single submitter. Criteria: Invitae Variant Classification Sherloc (09022015). Collection method: clinical testing. Allele origin: germline.
Comment: In summary, the available evidence is currently insufficient to determine the role of this variant in disease. Therefore, it has been classified as a Variant of Uncertain Significance. Advanced modeling of protein sequence and biophysical properties (such as structural, functional, and spatial information, amino acid conservation, physicochemical variation, residue mobility, and thermodynamic stability) performed at Invitae indicates that this missense variant is not expected to disrupt TRMT5 protein function. This variant has not been reported in the literature in individuals affected with TRMT5-related conditions. This variant is present in population databases (rs372756594, gnomAD 0.003%). This sequence change replaces lysine, which is basic and polar, with glutamic acid, which is acidic and polar, at codon 100 of the TRMT5 protein (p.Lys100Glu).